The following is an entry in ClinVar:

ClinVar aggregate classification (germline): Pathogenic (1 of 4 stars; one submission).

Submission:

Labcorp Genetics (formerly Invitae), Labcorp
Classification: Pathogenic. Last evaluated: 2022-04-03. Review status: criteria provided, single submitter. Criteria: Invitae Variant Classification Sherloc (09022015). Collection method: clinical testing. Allele origin: germline.
Comment: This sequence change creates a premature translational stop signal (p.Ser175Leufs*7) in the CDH23 gene. It is expected to result in an absent or disrupted protein product. Loss-of-function variants in CDH23 are known to be pathogenic (PMID: 11138009, 21940737). This variant is not present in population databases (gnomAD no frequency). This variant has not been reported in the literature in individuals affected with CDH23-related conditions. For these reasons, this variant has been classified as Pathogenic.

Literature cited by the submitters: PubMed 11138009; PubMed 21940737.

NM_022124.6(CDH23):c.522dup (p.Ser175fs)

Gene: CDH23 (cadherin related 23; plus strand). Cytogenetic location: 10q22.1.
Variant type: Duplication.
Coding change: c.522dup on transcript NM_022124.6 (MANE Select); coding-DNA position 522, one base duplicated (C; older notation c.522dupC).
Protein change: p.Ser175fs; shifts the reading frame from serine 175.
Molecular consequence: frameshift variant.
Genome position (GRCh38, 1-based): chr10:71,566,834, C duplicated; the last of 6 consecutive C bases (chr10:71,566,829-71,566,834); duplicating any one gives the same sequence. VCF-style (leftmost placement, unchanged base first): chr10-71566828-G-GC. GRCh37 (hg19) VCF-style: chr10-73326585-G-GC.
Other names: c.522dup, p.Ser175fs (NM_001171930.2, NM_001171931.2, NM_001171932.2 and 1 more transcripts); short protein forms S175fs.
Identifiers: ClinVar variation 2121117 (VCV002121117.4), dbSNP rs2493463533, ClinGen allele CA2580081797.